The following is an entry in ClinVar:

NM_007255.3(B4GALT7):c.767G>A (p.Arg256His)

Gene: B4GALT7 (beta-1,4-galactosyltransferase 7; plus strand). Cytogenetic location: 5q35.3.
Variant type: single nucleotide variant.
Coding change: c.767G>A on transcript NM_007255.3 (MANE Select); coding-DNA position 767, G replaced by A.
Protein change: p.Arg256His; replaces arginine 256 with histidine.
Molecular consequence: missense variant.
Genome position (GRCh38, 1-based): chr5:177,608,953, G>A. VCF-style: chr5-177608953-G-A. GRCh37 (hg19) VCF-style: chr5-177035954-G-A.
Other names: short protein forms R256H.
Identifiers: ClinVar variation 1186652 (VCV001186652.6), dbSNP rs764639019, ClinGen allele CA3586680.

ClinVar aggregate classification (germline): Conflicting classifications of pathogenicity. Review status: criteria provided, conflicting classifications (1 of 4 stars). 3 submissions from 3 submitters: Uncertain significance (2); Likely benign (1). Last evaluated 2021-08-11.

Conditions:
Inborn genetic diseases. Identifiers: MedGen C0950123, MeSH D030342.
Spondylodysplastic Ehlers-Danlos syndrome. Identifiers: Orphanet 536471, Orphanet 75496, MedGen C5680154, MONDO:0007526.

Allele frequency attached by ClinVar (database versions not stated): gnomAD 0.00001; gnomAD exomes 0.00006 and 0.00003; TOPMed 0.00003; ExAC 0.00005.
gnomAD v4.1: 40 of 1,613,462 alleles (0.0025%); highest among the groups gnomAD compares: Admixed American, 0.017%; no homozygotes.

Submissions (3):

Labcorp Genetics (formerly Invitae), Labcorp
Classification: Uncertain significance for Spondylodysplastic Ehlers-Danlos syndrome. Last evaluated: 2021-08-11. Review status: criteria provided, single submitter. Criteria: Invitae Variant Classification Sherloc (09022015). Collection method: clinical testing. Allele origin: germline.
Comment: This sequence change replaces arginine with histidine at codon 256 of the B4GALT7 protein (p.Arg256His). The arginine residue is moderately conserved and there is a small physicochemical difference between arginine and histidine. This variant is present in population databases (rs764639019, ExAC 0.03%). This variant has not been reported in the literature in individuals affected with B4GALT7-related conditions. ClinVar contains an entry for this variant (Variation ID: 1186652). Algorithms developed to predict the effect of missense changes on protein structure and function output the following: SIFT: "Tolerated"; PolyPhen-2: "Benign"; Align-GVGD: "Class C0". The histidine amino acid residue is found in multiple mammalian species, which suggests that this missense change does not adversely affect protein function. In summary, the available evidence is currently insufficient to determine the role of this variant in disease. Therefore, it has been classified as a Variant of Uncertain Significance.

Ambry Genetics
Classification: Likely benign for Inborn genetic diseases. Last evaluated: 2021-07-09. Review status: criteria provided, single submitter. Criteria: Ambry Variant Classification Scheme 2023. Collection method: clinical testing. Allele origin: germline.

GeneDx
Classification: Uncertain significance. Last evaluated: 2020-03-20. Review status: criteria provided, single submitter. Criteria: GeneDx Variant Classification Process June 2021. Collection method: clinical testing. Allele origin: germline. Affected: yes.
Comment: In silico analysis supports that this missense variant has a deleterious effect on protein structure/function; Has not been previously published as pathogenic or benign to our knowledge